The following is an entry in ClinVar:

NM_005476.7(GNE):c.1097C>A (p.Ala366Asp)

Gene: GNE (glucosamine (UDP-N-acetyl)-2-epimerase/N-acetylmannosamine kinase; minus strand). Cytogenetic location: 9p13.3.
Variant type: single nucleotide variant.
Coding change: c.1097C>A on transcript NM_005476.7 (MANE Select); coding-DNA position 1097, C replaced by A.
Protein change: p.Ala366Asp; replaces alanine 366 with aspartic acid.
Molecular consequence: missense variant.
Genome position (GRCh38, 1-based): chr9:36,227,432, G>T on the plus strand (C>A on the coding strand, the complement: GNE is on the minus strand). VCF-style: chr9-36227432-G-T. GRCh37 (hg19) VCF-style: chr9-36227429-G-T.
Other names: c.1190C>A, p.Ala397Asp (NM_001128227.3); c.1097C>A, p.Ala366Asp (NM_001190383.3); c.767C>A, p.Ala256Asp (NM_001190384.3); c.920C>A, p.Ala307Asp (NM_001190388.2, NM_001374798.1); c.944C>A, p.Ala315Asp (NM_001374797.1); short protein forms A397D, A256D, A366D, A307D, A315D.
Identifiers: ClinVar variation 1505830 (VCV001505830.8), dbSNP rs1442235130, ClinGen allele CA373429145.
Genomic context (GRCh38, chr9:36,227,432, plus strand): 5'-TTCTTTTGCAGTGGCTCTTGAAGATCGATAGATTTGAGAAACTTCAAAATCCTTGGAACA[G>T]CATTTCCATCCCCATATATCTTTGAACTGCAATATACAAAAAGTCAATTAAATTATATGC-3'
Protein context (NP_005467.1, residues 356-376): PCSKIYGDGN[Ala366Asp]VPRILKFLKS

ClinVar aggregate classification (germline): Uncertain significance (1 of 4 stars; one submission).

Conditions:
Sialuria. Also called: SIALURIA, FRENCH TYPE; Sialic Acid Storage Disease. Identifiers: Orphanet 3166, MedGen C0342853, MONDO:0010028, OMIM 269921.
GNE myopathy (NM). Also called: NONAKA DISTAL MYOPATHY; IBM 2; Inclusion body myopathy autosomal recessive; Inclusion body myopathy quadriceps sparing; INCLUSION BODY MYOPATHY, HEREDITARY, AUTOSOMAL RECESSIVE; INCLUSION BODY MYOPATHY 2, AUTOSOMAL RECESSIVE. Identifiers: Orphanet 602, MedGen C1853926, MONDO:0011603, OMIM 605820.

Submission:

Labcorp Genetics (formerly Invitae), Labcorp
Classification: Uncertain significance for Sialuria; GNE myopathy. Last evaluated: 2021-03-04. Review status: criteria provided, single submitter. Criteria: Invitae Variant Classification Sherloc (09022015). Collection method: clinical testing. Allele origin: germline.
Comment: In summary, the available evidence is currently insufficient to determine the role of this variant in disease. Therefore, it has been classified as a Variant of Uncertain Significance. Algorithms developed to predict the effect of missense changes on protein structure and function (SIFT, PolyPhen-2, Align-GVGD) all suggest that this variant is likely to be disruptive, but these predictions have not been confirmed by published functional studies and their clinical significance is uncertain. This variant has been observed in combination with another variant in GNE in individual(s) with GNE-related conditions (PMID: 25986339). This variant is also known as c.1097C>A (p.A366D). This variant is not present in population databases (ExAC no frequency). This sequence change replaces alanine with aspartic acid at codon 397 of the GNE protein (p.Ala397Asp). The alanine residue is highly conserved and there is a moderate physicochemical difference between alanine and aspartic acid.

Literature cited by the submitters: PubMed 25986339.